The following is an entry in ClinVar:

NM_001377142.1(PLCB4):c.1290T>C (p.Asp430=)

Gene: PLCB4 (phospholipase C beta 4; plus strand). Cytogenetic location: 20p12.2.
Variant type: single nucleotide variant.
Coding change: c.1290T>C on transcript NM_001377142.1 (MANE Select); coding-DNA position 1290, T replaced by C.
Protein change: p.Asp430=; no amino-acid change (aspartic acid 430 retained).
Molecular consequence: synonymous variant.
Genome position (GRCh38, 1-based): chr20:9,390,582, T>C. VCF-style: chr20-9390582-T-C. GRCh37 (hg19) VCF-style: chr20-9371229-T-C.
Other names: c.1290T>C, p.Asp430= (NM_000933.4, NM_001172646.2, NM_001377134.2 and 4 more transcripts).
Identifiers: ClinVar variation 747746 (VCV000747746.5), dbSNP rs148885261, ClinGen allele CA9761054.
Genomic context (GRCh38, chr20:9,390,582, plus strand): 5'-TCTCTCCAGCAAATATCAACAGTACAAGATGTCCAAATATTGCGAAGATCTATTTGGGGA[T>C]CTCCTGTTGAAACAAGCACTTGAATCACATCCAGTATGTATTTTTAACAAACCATATTTC-3'
Protein context (NP_001364071.1, residues 420-440): MSKYCEDLFG[Asp430=]LLLKQALESH

ClinVar aggregate classification (germline): Likely benign. Review status: criteria provided, single submitter (1 of 4 stars). 2 submissions from 2 submitters: Likely benign (1). 1 of the submissions does not count toward it. Last evaluated 2018-04-18.

Conditions:
PLCB4-related disorder. Also called: PLCB4-related condition.

Allele frequency attached by ClinVar (database versions not stated): ExAC 0.00007; gnomAD exomes 0.00007; TOPMed 0.00008; gnomAD 0.00009 and 0.00010; ESP Exome Variant Server 0.00015.
gnomAD v4.1: 134 of 1,574,038 alleles (0.0085%); highest among the groups gnomAD compares: Admixed American, 0.012%; no homozygotes.

Submissions (2):

Labcorp Genetics (formerly Invitae), Labcorp
Classification: Likely benign. Last evaluated: 2018-04-18. Review status: criteria provided, single submitter. Criteria: Invitae Variant Classification Sherloc (09022015). Collection method: clinical testing. Allele origin: germline.

PreventionGenetics, part of Exact Sciences
Classification: Likely benign for PLCB4-related condition. Last evaluated: 2019-07-10. Review status: no assertion criteria provided. Collection method: clinical testing. Allele origin: germline. Not counted in ClinVar's aggregate classification.
Comment: This variant is classified as likely benign based on ACMG/AMP sequence variant interpretation guidelines (Richards et al. 2015 PMID: 25741868, with internal and published modifications).